The following is an entry in ClinVar:

ClinVar aggregate classification (germline): Uncertain significance (1 of 4 stars; one submission).

Submission:

Labcorp Genetics (formerly Invitae), Labcorp
Classification: Uncertain significance. Last evaluated: 2022-04-01. Review status: criteria provided, single submitter. Criteria: Invitae Variant Classification Sherloc (09022015). Collection method: clinical testing. Allele origin: germline.
Comment: This sequence change replaces cysteine, which is neutral and slightly polar, with phenylalanine, which is neutral and non-polar, at codon 3810 of the LRP2 protein (p.Cys3810Phe). This variant is not present in population databases (gnomAD no frequency). This variant has not been reported in the literature in individuals affected with LRP2-related conditions. Advanced modeling of protein sequence and biophysical properties (such as structural, functional, and spatial information, amino acid conservation, physicochemical variation, residue mobility, and thermodynamic stability) performed at Invitae indicates that this missense variant is expected to disrupt LRP2 protein function. In summary, the available evidence is currently insufficient to determine the role of this variant in disease. Therefore, it has been classified as a Variant of Uncertain Significance.

NM_004525.3(LRP2):c.11429G>T (p.Cys3810Phe)

Gene: LRP2 (LDL receptor related protein 2; minus strand). Cytogenetic location: 2q31.1.
Variant type: single nucleotide variant.
Coding change: c.11429G>T on transcript NM_004525.3 (MANE Select); coding-DNA position 11429, G replaced by T.
Protein change: p.Cys3810Phe; replaces cysteine 3810 with phenylalanine.
Molecular consequence: missense variant.
Genome position (GRCh38, 1-based): chr2:169,169,770, C>A on the plus strand (G>T on the coding strand, the complement: LRP2 is on the minus strand). VCF-style: chr2-169169770-C-A. GRCh37 (hg19) VCF-style: chr2-170026280-C-A.
Other names: short protein forms C3810F.
Identifiers: ClinVar variation 2120429 (VCV002120429.1), dbSNP rs2545716418, ClinGen allele CA349141821.